The following is an entry in ClinVar:

ClinVar aggregate classification (germline): Uncertain significance (1 of 4 stars; one submission).

Allele frequency attached by ClinVar (database versions not stated): gnomAD 0.00002.
gnomAD v4.1: 7 of 1,360,992 alleles (0.00051%); highest among the groups gnomAD compares: Non-Finnish European, 0.00066%; no homozygotes.

Submission:

Labcorp Genetics (formerly Invitae), Labcorp
Classification: Uncertain significance. Last evaluated: 2022-02-08. Review status: criteria provided, single submitter. Criteria: Invitae Variant Classification Sherloc (09022015). Collection method: clinical testing. Allele origin: germline.
Comment: In summary, the available evidence is currently insufficient to determine the role of this variant in disease. Therefore, it has been classified as a Variant of Uncertain Significance. Algorithms developed to predict the effect of missense changes on protein structure and function are either unavailable or do not agree on the potential impact of this missense change (SIFT: "Tolerated"; PolyPhen-2: "Possibly Damaging"; Align-GVGD: "Class C0"). This variant has not been reported in the literature in individuals affected with IRF2BP2-related conditions. This variant is not present in population databases (gnomAD no frequency). This sequence change replaces proline, which is neutral and non-polar, with serine, which is neutral and polar, at codon 185 of the IRF2BP2 protein (p.Pro185Ser).

NM_182972.3(IRF2BP2):c.553C>T (p.Pro185Ser)

Gene: IRF2BP2 (interferon regulatory factor 2 binding protein 2; minus strand). Cytogenetic location: 1q42.3.
Variant type: single nucleotide variant.
Coding change: c.553C>T on transcript NM_182972.3 (MANE Select); coding-DNA position 553, C replaced by T.
Protein change: p.Pro185Ser; replaces proline 185 with serine.
Molecular consequence: missense variant.
Genome position (GRCh38, 1-based): chr1:234,608,942, G>A on the plus strand (C>T on the coding strand, the complement: IRF2BP2 is on the minus strand). VCF-style: chr1-234608942-G-A. GRCh37 (hg19) VCF-style: chr1-234744688-G-A.
Other names: c.553C>T, p.Pro185Ser (NM_001077397.1); short protein forms P185S.
Identifiers: ClinVar variation 2092086 (VCV002092086.4), dbSNP rs748975490, ClinGen allele CA39546550.
Genomic context (GRCh38, chr1:234,608,942, plus strand): 5'-GGCCGAGCGCGGTGGGCAGCGGCGTGGCCGAGCCGTTCATGAGCGGCACCAGGGTGGGCG[G>A]CACCGCGTGGCCGCGCCGCGGGTTCGGGCTCTGGCGATTCAGCTCGGGCGGCTCCTCTAG-3'
Protein context (NP_892017.2, residues 175-195): SPNPRRGHAV[Pro185Ser]PTLVPLMNGS